The following is an entry in ClinVar:

ClinVar aggregate classification (germline): Uncertain significance (1 of 4 stars; one submission).

Conditions:
Hyperinsulinemic hypoglycemia, familial, 1 (HHF1). Also called: Persistent hyperinsulinemic hypoglycemia of infancy; HYPERINSULINISM, FAMILIAL, WITH PANCREATIC NESIDIOBLASTOSIS; HYPOGLYCEMIA, HYPERINSULINEMIC, OF INFANCY; NESIDIOBLASTOSIS OF PANCREAS; Persistent Hyperinsulinemia Hypoglycemia of Infancy. Identifiers: Orphanet 276575, Orphanet 276598, MedGen C2931832, MONDO:0009734, OMIM 256450.

Submission:

Myriad Genetics, Inc.
Classification: Uncertain significance for Hyperinsulinemic hypoglycemia, familial, 1. Last evaluated: 2026-08-11. Review status: criteria provided, single submitter. Criteria: Myriad Autosomal Dominant, Autosomal Recessive and X-Linked Classification Criteria (2023). Collection method: clinical testing. Allele origin: unknown.
Comment: NM_000352.3(ABCC8):c.1824_1853del30(K609_E618del) is an in-frame deletion classified as a variant of uncertain significance in the context of familial hyperinsulinism, ABCC8-related. K609_E618del has not been observed in cases with relevant disease. Relevant functional assessments of this variant are not available in the literature. K609_E618del has not been observed in referenced population frequency databases. In summary, there is insufficient evidence to classify NM_000352.3(ABCC8):c.1824_1853del30(K609_E618del) as pathogenic or benign. Please note: this variant was assessed in the context of healthy population screening.

NM_000352.6(ABCC8):c.1824_1853del (p.Lys609_Glu618del)

Gene: ABCC8 (ATP binding cassette subfamily C member 8; minus strand). Cytogenetic location: 11p15.1.
Variant type: Deletion.
Coding change: c.1824_1853del on transcript NM_000352.6 (MANE Select); coding-DNA positions 1824 to 1853, 30 bases deleted (AAAGCTAAGCGAGTTCCTGTCCAGTGCAGA).
Protein change: p.Lys609_Glu618del.
Molecular consequence: inframe deletion. On other transcripts: non-coding transcript variant (1).
Genome position (GRCh38, 1-based): chr11:17,428,635-17,428,664, TCTGCACTGGACAGGAACTCGCTTAGCTTT deleted on the plus strand (AAAGCTAAGCGAGTTCCTGTCCAGTGCAGA on the coding strand, the reverse complement: ABCC8 is on the minus strand); deleting any 30 consecutive bases within chr11:17,428,635-17,428,665 gives the same sequence; the c. name uses the placement nearest the transcript's 3' end. VCF-style (leftmost placement, unchanged base first): chr11-17428634-CTCTGCACTGGACAGGAACTCGCTTAGCTTT-C. GRCh37 (hg19) VCF-style: chr11-17450181-CTCTGCACTGGACAGGAACTCGCTTAGCTTT-C.
Other names: c.1824_1853del, p.Lys609_Glu618del (NM_001287174.3, NM_001351295.2); c.1821_1850del, p.Lys608_Glu617del (NM_001351296.2, NM_001351297.2).
Identifiers: ClinVar variation 5004843 (VCV005004843.1).